The following is an entry in ClinVar:

ClinVar aggregate classification (germline): Uncertain significance (1 of 4 stars; one submission).

Conditions:
Kabuki syndrome. Also called: NIIKAWA-KUROKI SYNDROME; Kabuki make-up syndrome. Identifiers: Orphanet 2322, MedGen C0796004, MONDO:0016512.

gnomAD v4.1: 1 of 1,611,584 alleles (0.000062%); no homozygotes.

Submission:

Labcorp Genetics (formerly Invitae), Labcorp
Classification: Uncertain significance for Kabuki syndrome. Last evaluated: 2025-09-29. Review status: criteria provided, single submitter. Criteria: Invitae Variant Classification Sherloc (09022015). Collection method: clinical testing. Allele origin: germline.
Comment: This sequence change replaces proline, which is neutral and non-polar, with leucine, which is neutral and non-polar, at codon 4311 of the KMT2D protein (p.Pro4311Leu). This variant is not present in population databases (gnomAD no frequency). This variant has not been reported in the literature in individuals affected with KMT2D-related conditions. Invitae Evidence Modeling of protein sequence and biophysical properties (such as structural, functional, and spatial information, amino acid conservation, physicochemical variation, residue mobility, and thermodynamic stability) indicates that this missense variant is not expected to disrupt KMT2D protein function with a negative predictive value of 95%. In summary, the available evidence is currently insufficient to determine the role of this variant in disease. Therefore, it has been classified as a Variant of Uncertain Significance.

NM_003482.4(KMT2D):c.12932C>T (p.Pro4311Leu)

Gene: KMT2D (lysine methyltransferase 2D; minus strand). Cytogenetic location: 12q13.12.
Variant type: single nucleotide variant.
Coding change: c.12932C>T on transcript NM_003482.4 (MANE Select); coding-DNA position 12932, C replaced by T.
Protein change: p.Pro4311Leu; replaces proline 4311 with leucine.
Molecular consequence: missense variant.
Genome position (GRCh38, 1-based): chr12:49,031,773, G>A on the plus strand (C>T on the coding strand, the complement: KMT2D is on the minus strand). VCF-style: chr12-49031773-G-A. GRCh37 (hg19) VCF-style: chr12-49425556-G-A.
Other names: short protein forms P4311L.
Identifiers: ClinVar variation 4763294 (VCV004763294.1).